The following is an entry in ClinVar:

NM_001079843.3(CASZ1):c.1018G>A (p.Asp340Asn)

Gene: CASZ1 (castor zinc finger 1; minus strand). Cytogenetic location: 1p36.22.
Variant type: single nucleotide variant.
Coding change: c.1018G>A on transcript NM_001079843.3 (MANE Select); coding-DNA position 1018, G replaced by A.
Protein change: p.Asp340Asn; replaces aspartic acid 340 with asparagine.
Molecular consequence: missense variant.
Genome position (GRCh38, 1-based): chr1:10,660,024, C>T on the plus strand (G>A on the coding strand, the complement: CASZ1 is on the minus strand). VCF-style: chr1-10660024-C-T. GRCh37 (hg19) VCF-style: chr1-10720081-C-T.
Other names: c.1018G>A, p.Asp340Asn (NM_017766.5); short protein forms D340N.
Identifiers: ClinVar variation 1474076 (VCV001474076.8), dbSNP rs747359296, ClinGen allele CA585262.

ClinVar aggregate classification (germline): Uncertain significance (1 of 4 stars; one submission).

Allele frequency attached by ClinVar (database versions not stated): gnomAD exomes 0.00001 and 0.00002; TOPMed 0.00001; ExAC 0.00002.
gnomAD v4.1: 12 of 1,614,120 alleles (0.00074%); highest among the groups gnomAD compares: Admixed American, 0.0067%; no homozygotes.

Submission:

Labcorp Genetics (formerly Invitae), Labcorp
Classification: Uncertain significance. Last evaluated: 2021-06-23. Review status: criteria provided, single submitter. Criteria: Invitae Variant Classification Sherloc (09022015). Collection method: clinical testing. Allele origin: germline.
Comment: This sequence change replaces aspartic acid with asparagine at codon 340 of the CASZ1 protein (p.Asp340Asn). The aspartic acid residue is moderately conserved and there is a small physicochemical difference between aspartic acid and asparagine. This variant is present in population databases (rs747359296, ExAC 0.02%). This variant has not been reported in the literature in individuals with CASZ1-related conditions. Algorithms developed to predict the effect of missense changes on protein structure and function are either unavailable or do not agree on the potential impact of this missense change (SIFT: "Tolerated"; PolyPhen-2: "Probably Damaging"; Align-GVGD: "Class C0"). In summary, the available evidence is currently insufficient to determine the role of this variant in disease. Therefore, it has been classified as a Variant of Uncertain Significance.